The following is an entry in ClinVar:

ClinVar aggregate classification (germline): Conflicting classifications of pathogenicity. Review status: criteria provided, conflicting classifications (1 of 4 stars). 5 submissions from 5 submitters: Uncertain significance (3); Likely benign (1). 1 of the submissions does not count toward it. Last evaluated 2026-01-31.

Conditions:
Inborn genetic diseases. Identifiers: MedGen C0950123, MeSH D030342.
Autosomal recessive limb-girdle muscular dystrophy type 2A (LGMDR1). Also called: Limb-girdle muscular dystrophy, type 2A; Calpainopathy; LEYDEN-MOEBIUS MUSCULAR DYSTROPHY; MUSCULAR DYSTROPHY, PELVOFEMORAL; Muscular dystrophy, limb-girdle, type 2A, Amish. Identifiers: Orphanet 267, MedGen C1869123, MONDO:0009675, OMIM 253600. Disease mechanism: loss of function.

Allele frequency attached by ClinVar (database versions not stated): gnomAD below 0.00001 and 0.00001; TOPMed below 0.00001; ExAC 0.00005; gnomAD exomes 0.00005 and 0.00006.
gnomAD v4.1: 70 of 1,614,128 alleles (0.0043%); highest among the groups gnomAD compares: South Asian, 0.059%; no homozygotes.

Submissions (5):

Centre for Medical Genetics,  Mumbai
Classification: Likely benign for Autosomal recessive limb-girdle muscular dystrophy type 2A. Last evaluated: 2026-01-31. Review status: criteria provided, single submitter. Criteria: ACMG Guidelines, 2015. Collection method: provider interpretation. Allele origin: germline. Inheritance: Autosomal recessive inheritance. Affected: no. Observed: 1 homozygote.
Comment: The variant satisfies PM2 criteria; Extremely low frequency in gnomAD population databases. The variant satisfies PP2 criteria; Missense variant in a gene with low rate of benign missense mutations and for which missense mutation is a common mechanism of a disease. However the variant satisfies BS2 criteria.

Labcorp Genetics (formerly Invitae), Labcorp
Classification: Uncertain significance for Autosomal recessive limb-girdle muscular dystrophy type 2A. Last evaluated: 2025-01-19. Review status: criteria provided, single submitter. Criteria: Invitae Variant Classification Sherloc (09022015). Collection method: clinical testing. Allele origin: germline.
Comment: This sequence change replaces glutamic acid, which is acidic and polar, with lysine, which is basic and polar, at codon 16 of the CAPN3 protein (p.Glu16Lys). This variant is present in population databases (rs772580081, gnomAD 0.05%). This variant has not been reported in the literature in individuals affected with CAPN3-related conditions. ClinVar contains an entry for this variant (Variation ID: 422846). Invitae Evidence Modeling of protein sequence and biophysical properties (such as structural, functional, and spatial information, amino acid conservation, physicochemical variation, residue mobility, and thermodynamic stability) has been performed for this missense variant. However, the output from this modeling did not meet the statistical confidence thresholds required to predict the impact of this variant on CAPN3 protein function. In summary, the available evidence is currently insufficient to determine the role of this variant in disease. Therefore, it has been classified as a Variant of Uncertain Significance.

Ambry Genetics
Classification: Uncertain significance for Inborn genetic diseases. Last evaluated: 2024-05-24. Review status: criteria provided, single submitter. Criteria: Ambry Variant Classification Scheme 2023. Collection method: clinical testing. Allele origin: germline.

GeneDx
Classification: Uncertain significance. Last evaluated: 2016-12-13. Review status: criteria provided, single submitter. Criteria: GeneDx Variant Classification (06012015). Collection method: clinical testing. Allele origin: germline. Affected: yes.
Comment: The E16K variant has not been published as a pathogenic variant, nor has it been reported as a benign variant to our knowledge. The E16K variant is not observed at a significant frequency in large population cohorts (Lek et al., 2016; 1000 Genomes Consortium et al., 2015; Exome Variant Server). This variant is a non-conservative amino acid substitution, which is likely to impact secondary protein structure as these residues differ in polarity, charge, size and/or other properties. However, this substitution occurs at a position that is not conserved, and missense variants in nearby residues have not been reported in the Human Gene Mutation Database in association with LGMD2A (Stenson et al., 2014). In silico analysis is inconsistent in its predictions as to whether or not the variant is damaging to the protein structure/function.

Natera, Inc.
Classification: Uncertain significance for Limb-girdle muscular dystrophy type 2A. Last evaluated: 2019-10-28. Review status: no assertion criteria provided. Collection method: clinical testing. Allele origin: germline. Not counted in ClinVar's aggregate classification.

Literature cited by the submitters: PubMed 7795603 (cited by Centre for Medical Genetics,  Mumbai).

NM_000070.3(CAPN3):c.46G>A (p.Glu16Lys)

Gene: CAPN3 (calpain 3; plus strand). Cytogenetic location: 15q15.1.
Variant type: single nucleotide variant.
Coding change: c.46G>A on transcript NM_000070.3 (MANE Select); coding-DNA position 46, G replaced by A.
Protein change: p.Glu16Lys; replaces glutamic acid 16 with lysine.
Molecular consequence: missense variant.
Genome position (GRCh38, 1-based): chr15:42,359,851, G>A. VCF-style: chr15-42359851-G-A. GRCh37 (hg19) VCF-style: chr15-42652049-G-A.
Other names: c.46G>A, p.Glu16Lys (NM_024344.2, NM_173087.2); short protein forms E16K.
Identifiers: ClinVar variation 422846 (VCV000422846.6), dbSNP rs772580081, ClinGen allele CA7510838.